The following is an entry in ClinVar:

ClinVar aggregate classification (germline): Likely benign. Review status: criteria provided, single submitter (1 of 4 stars). 2 submissions from 2 submitters: Likely benign (1). 1 of the submissions does not count toward it. Last evaluated 2022-11-16.

Conditions:
IDH3A-related disorder. Also called: IDH3A-related condition.

Allele frequency attached by ClinVar (database versions not stated): TOPMed 0.00002; gnomAD 0.00003; gnomAD exomes 0.00003; ExAC 0.00007.
gnomAD v4.1: 45 of 1,613,284 alleles (0.0028%); highest among the groups gnomAD compares: South Asian, 0.026%; no homozygotes.

Submissions (2):

Blueprint Genetics
Classification: Likely benign. Last evaluated: 2022-11-16. Review status: criteria provided, single submitter. Criteria: ACMG Guidelines, 2015. Collection method: clinical testing. Allele origin: germline.

PreventionGenetics, part of Exact Sciences
Classification: Likely benign for IDH3A-related condition. Last evaluated: 2019-06-07. Review status: no assertion criteria provided. Collection method: clinical testing. Allele origin: germline. Not counted in ClinVar's aggregate classification.
Comment: This variant is classified as likely benign based on ACMG/AMP sequence variant interpretation guidelines (Richards et al. 2015 PMID: 25741868, with internal and published modifications).

NM_005530.3(IDH3A):c.865-6G>A

Gene: IDH3A (isocitrate dehydrogenase (NAD(+)) 3 catalytic subunit alpha; plus strand). Cytogenetic location: 15q25.1.
Variant type: single nucleotide variant.
Coding change: c.865-6G>A on transcript NM_005530.3 (MANE Select); 6 bases into the intron before coding-DNA position 865, G replaced by A.
Molecular consequence: intron variant.
Genome position (GRCh38, 1-based): chr15:78,166,144, G>A. VCF-style: chr15-78166144-G-A. GRCh37 (hg19) VCF-style: chr15-78458486-G-A.
Identifiers: ClinVar variation 3043629 (VCV003043629.3), dbSNP rs759517078, ClinGen allele CA7680707.